The following is an entry in ClinVar:

NM_020436.5(SALL4):c.762C>T (p.Ala254=)

Gene: SALL4 (spalt like transcription factor 4; minus strand). Cytogenetic location: 20q13.2.
Variant type: single nucleotide variant.
Coding change: c.762C>T on transcript NM_020436.5 (MANE Select); coding-DNA position 762, C replaced by T.
Protein change: p.Ala254=; no amino-acid change (alanine 254 retained).
Molecular consequence: synonymous variant.
Genome position (GRCh38, 1-based): chr20:51,791,721, G>A on the plus strand (C>T on the coding strand, the complement: SALL4 is on the minus strand). VCF-style: chr20-51791721-G-A. GRCh37 (hg19) VCF-style: chr20-50408260-G-A.
Other names: c.762C>T (NM_020436.4); c.762C>T, p.Ala254= (NM_001318031.2).
Identifiers: ClinVar variation 1165944 (VCV001165944.15), dbSNP rs141546409, ClinGen allele CA9912395.
Genomic context (GRCh38, chr20:51,791,721, plus strand): 5'-CAAAGCCACAGCTGCAGAAACCTGCTGAGACATGTGGCTGCCCAAGGTCTTCAGAGTGTC[G>A]GCCCCTGCCCCGCTTGAGTGGAGGGCGTGGGAGGCCCACATGTTCACCTGGATGCGGATC-3'
Protein context (NP_065169.1, residues 244-264): SHALHSSGAG[Ala254=]DTLKTLGSHM

ClinVar aggregate classification (germline): Benign/Likely benign. Review status: criteria provided, multiple submitters, no conflicts (2 of 4 stars). 6 submissions from 6 submitters: Benign (2); Likely benign (4). Last evaluated 2026-04-01.

Conditions:
SALL4-Related Disorders. Also called: SALL4-related disorder; SALL4-related condition. Identifiers: MedGen CN381056.
Duane-radial ray syndrome (DRRS). Also called: Duane-Radial Ray Syndrome (DRRS) / Okihiro Syndrome; Duane-Radial Ray Syndrome/Okihiro Syndrome; ACRORENOOCULAR SYNDROME; DR SYNDROME; DUANE ANOMALY WITH RADIAL RAY ABNORMALITIES AND DEAFNESS; Okihiro Syndrome. Identifiers: Orphanet 93293, Orphanet 959, MedGen C1623209, MONDO:0011812, OMIM 607323. Disease mechanism: gain of function.
Oculootoradial syndrome (IVIC). Also called: RADIAL RAY DEFECTS, HEARING IMPAIRMENT, EXTERNAL OPHTHALMOPLEGIA, AND THROMBOCYTOPENIA; IVIC syndrome. Identifiers: Orphanet 2307, MedGen C1327918, MONDO:0007836, OMIM 147750.

Allele frequency attached by ClinVar (database versions not stated): ESP Exome Variant Server 0.00069; 1000 Genomes Project 0.00160; 1000 Genomes Project 30x 0.00203.
gnomAD v4.1: 271 of 1,614,142 alleles (0.017%); highest among the groups gnomAD compares: African/African-American, 0.25%; 1 homozygote.

Submissions (6):

CeGaT Center for Human Genetics Tuebingen
Classification: Likely benign. Last evaluated: 2026-04-01. Review status: criteria provided, single submitter. Criteria: CeGaT Center For Human Genetics Tuebingen Variant Classification Criteria Version 2. Collection method: clinical testing. Allele origin: germline. Affected: yes. Observed: 1 variant allele.
Comment: SALL4: BP4, BP7

Labcorp Genetics (formerly Invitae), Labcorp
Classification: Benign for Duane-radial ray syndrome. Last evaluated: 2025-08-02. Review status: criteria provided, single submitter. Criteria: Invitae Variant Classification Sherloc (09022015). Collection method: clinical testing. Allele origin: germline.

PreventionGenetics, part of Exact Sciences
Classification: Likely benign for SALL4-related condition. Last evaluated: 2025-07-03. Review status: criteria provided, single submitter. Criteria: ACMG Guidelines, 2015. Collection method: clinical testing. Allele origin: germline.
Comment: This variant is classified as likely benign based on ACMG/AMP sequence variant interpretation guidelines (Richards et al. 2015 PMID: 25741868, with internal and published modifications).

Blueprint Genetics
Classification: Likely benign. Last evaluated: 2024-09-13. Review status: criteria provided, single submitter. Criteria: ACMG Guidelines, 2015. Collection method: clinical testing. Allele origin: germline.

Fulgent Genetics
Classification: Likely benign for Oculootoradial syndrome; Duane-radial ray syndrome. Last evaluated: 2021-11-09. Review status: criteria provided, single submitter. Criteria: ACMG Guidelines, 2015. Collection method: clinical testing. Allele origin: unknown.

Breakthrough Genomics
Classification: Benign. Review status: criteria provided, single submitter. Criteria: ACMG Guidelines, 2015. Collection method: not provided. Allele origin: germline. Inheritance: Autosomal dominant inheritance. Affected: yes.